The following is an entry in ClinVar:

ClinVar aggregate classification (germline): Uncertain significance (1 of 4 stars; one submission).

Conditions:
Inborn genetic diseases. Identifiers: MedGen C0950123, MeSH D030342.

Submission:

Ambry Genetics
Classification: Uncertain significance for Inborn genetic diseases. Last evaluated: 2026-08-25. Review status: criteria provided, single submitter. Criteria: Ambry Variant Classification Scheme 2023. Collection method: clinical testing. Allele origin: germline.
Comment: The p.Q241K variant (also known as c.721C>A), located in coding exon 4 of the ERCC6L2 gene, results from a C to A substitution at nucleotide position 721. The glutamine at codon 241 is replaced by lysine, an amino acid with similar properties. This amino acid position is conserved. In addition, the in silico prediction for this alteration is inconclusive. Based on the available evidence, the clinical significance of this variant remains unclear.

NM_020207.7(ERCC6L2):c.721C>A (p.Gln241Lys)

Gene: ERCC6L2 (ERCC excision repair 6 like 2; plus strand). Cytogenetic location: 9q22.32.
Variant type: single nucleotide variant.
Coding change: c.721C>A on transcript NM_020207.7 (MANE Select); coding-DNA position 721, C replaced by A.
Protein change: p.Gln241Lys; replaces glutamine 241 with lysine.
Molecular consequence: missense variant. On other transcripts: non-coding transcript variant (1).
Genome position (GRCh38, 1-based): chr9:95,907,204, C>A. VCF-style: chr9-95907204-C-A. GRCh37 (hg19) VCF-style: chr9-98669486-C-A.
Other names: c.721C>A, p.Gln241Lys (NM_001010895.4, NM_001375291.1, NM_001375292.1 and 2 more transcripts); short protein forms Q241K.
Identifiers: ClinVar variation 5036109 (VCV005036109.1).